The following is an entry in ClinVar:

ClinVar aggregate classification (germline): Uncertain significance (1 of 4 stars; one submission).

Submission:

GeneDx
Classification: Uncertain significance. Last evaluated: 2025-06-15. Review status: criteria provided, single submitter. Criteria: GeneDx Variant Classification Process June 2021. Collection method: clinical testing. Allele origin: germline. Affected: yes.
Comment: Not observed at significant frequency in large population cohorts (gnomAD); In silico analysis supports that this missense variant has a deleterious effect on protein structure/function; Has not been previously published as pathogenic or benign to our knowledge

NM_000202.8(IDS):c.286A>G (p.Arg96Gly)

Gene: IDS (iduronate 2-sulfatase; minus strand). Cytogenetic location: Xq28.
Variant type: single nucleotide variant.
Coding change: c.286A>G on transcript NM_000202.8 (MANE Select); coding-DNA position 286, A replaced by G.
Protein change: p.Arg96Gly; replaces arginine 96 with glycine.
Molecular consequence: missense variant. On other transcripts: non-coding transcript variant (1).
Genome position (GRCh38, 1-based): chrX:149,503,444, T>C on the plus strand (A>G on the coding strand, the complement: IDS is on the minus strand). VCF-style: chrX-149503444-T-C. GRCh37 (hg19) VCF-style: chrX-148584974-T-C.
Other names: c.16A>G, p.Arg6Gly (NM_001166550.4); c.286A>G, p.Arg96Gly (NM_006123.5); short protein forms R6G, R96G.
Identifiers: ClinVar variation 4538695 (VCV004538695.1).